The following is an entry in ClinVar:

NC_000014.8:g.(?_35488152)_(35498358_?)dup

Gene: SRP54 (signal recognition particle 54; plus strand). Cytogenetic location: 14q13.2.
Variant type: Duplication.
Identifiers: ClinVar variation 3244085 (VCV003244085.1).

ClinVar aggregate classification (germline): Uncertain significance (1 of 4 stars; one submission).

Submission:

Labcorp Genetics (formerly Invitae), Labcorp
Classification: Uncertain significance. Last evaluated: 2023-05-31. Review status: criteria provided, single submitter. Criteria: Invitae Variant Classification Sherloc (09022015). Collection method: clinical testing. Allele origin: unknown.
Comment: In summary, the available evidence is currently insufficient to determine the role of this variant in disease. Therefore, it has been classified as a Variant of Uncertain Significance. Experimental studies and prediction algorithms are not available or were not evaluated, and the functional significance of this variant is currently unknown. This variant has not been reported in the literature in individuals affected with SRP54-related conditions. This variant results in a copy number gain of the genomic region encompassing exon(s) 13-16 of the SRP54 gene. This region includes the termination codon of the gene. This copy number gain extends beyond the assayed region for this gene and therefore may encompass additional genes. As the precise location of this event is unknown, it may be in tandem or it may be located elsewhere in the genome.